The following is an entry in ClinVar:

NM_007294.4(BRCA1):c.3329del (p.Lys1110fs)

Genes: BRCA1 (BRCA1 DNA repair associated; minus strand), LOC126862571 (BRD4-independent group 4 enhancer GRCh37_chr17:41243136-41244335; plus strand). Cytogenetic location: 17q21.31.
Variant type: Deletion.
Coding change: c.3329del on transcript NM_007294.4 (MANE Select); coding-DNA position 3329, one base deleted (A; older notation c.3329delA).
Protein change: p.Lys1110fs; shifts the reading frame from lysine 1110.
Molecular consequence: frameshift variant. On other transcripts: intron variant (137).
Genome position (GRCh38, 1-based): chr17:43,092,202, T deleted on the plus strand (A on the coding strand, the reverse complement: BRCA1 is on the minus strand); the first of 6 consecutive T bases (chr17:43,092,202-43,092,207); deleting any one gives the same sequence. VCF-style (leftmost placement, unchanged base first): chr17-43092201-CT-C. GRCh37 (hg19) VCF-style: chr17-41244218-CT-C.
Other names: 3448delA-ter1116; c.3329delA (NM_007294.3); c.3116del, p.Lys1039fs (NM_001407571.1, NM_001407853.1, NM_001407894.1 and 9 more transcripts); c.3329del, p.Lys1110fs (NM_001407581.1, NM_001407582.1, NM_001407583.1 and 30 more transcripts); c.3326del, p.Lys1109fs (NM_001407587.1, NM_001407590.1, NM_001407591.1 and 22 more transcripts); c.3320del, p.Lys1107fs (NM_001407646.1, NM_001407647.1); c.3206del, p.Lys1069fs (NM_001407648.1, NM_001407664.1, NM_001407665.1 and 19 more transcripts); c.3203del, p.Lys1068fs (NM_001407649.1, NM_001407670.1, NM_001407671.1 and 11 more transcripts); and 43 more; short protein forms K1063fs, K1110fs, K1039fs, K1068fs, K1069fs, K982fs, K1022fs, K1043fs.
Identifiers: ClinVar variation 54842 (VCV000054842.17), dbSNP rs80357575, ClinGen allele CA002153.
Genomic context (GRCh38, chr17:43,092,201, plus strand): 5'-TGAAATCAGATATGGAGAGAAATCTGTATTAACAGTCTGAACTACTTCTTCATATTCTTG[CT>C]TTTTTATTTCAGGATGCTTACAATTACTTCCAGGAAGACTTTGTTTATAGACCTCAGGTT-3'

ClinVar aggregate classification (germline): Pathogenic. Review status: reviewed by expert panel (3 of 4 stars). 7 submissions from 7 submitters: Pathogenic (1). 6 of the submissions do not count toward it. Last evaluated 2016-10-18.

Conditions:
Hereditary cancer-predisposing syndrome. Also called: Tumor predisposition; Neoplastic Syndromes, Hereditary; Hereditary Cancer Syndrome; Hereditary neoplastic syndrome. Identifiers: Orphanet 140162, MedGen C0027672, MeSH D009386, MONDO:0015356.
Hereditary breast ovarian cancer syndrome. Also called: Hereditary breast and ovarian cancer syndrome (HBOC); Hereditary breast and ovarian cancer syndrome; Hereditary breast and ovarian cancer; Hereditary breast and/or ovarian cancer syndrome; Breast and ovarian cancer; BRCA1- and BRCA2-Associated Hereditary Breast and Ovarian Cancer. Identifiers: Orphanet 145, MedGen C0677776, MeSH D061325, MONDO:0003582. Disease mechanism: loss of function.
Breast-ovarian cancer, familial, susceptibility to, 1 (BROVCA1). Also called: OVARIAN CANCER, SUSCEPTIBILITY TO; BRCA1 Hereditary Breast and Ovarian Cancer. Identifiers: Orphanet 145, MedGen C2676676, MONDO:0011450, OMIM 604370. Disease mechanism: loss of function.

Submissions (7):

Evidence-based Network for the Interpretation of Germline Mutant Alleles (ENIGMA)
Classification: Pathogenic for Breast-ovarian cancer, familial, susceptibility to, 1. Last evaluated: 2016-10-18. Review status: reviewed by expert panel. Criteria: ENIGMA BRCA1/2 Classification Criteria (2015). Collection method: curation. Allele origin: germline.
Comment: Variant allele predicted to encode a truncated non-functional protein.

Women's Health and Genetics/Laboratory Corporation of America, LabCorp
Classification: Pathogenic for Hereditary breast ovarian cancer syndrome. Last evaluated: 2025-10-20. Review status: criteria provided, single submitter. Criteria: LabCorp Variant Classification Summary - May 2015. Collection method: clinical testing. Allele origin: germline. Not counted in ClinVar's aggregate classification.
Comment: Variant summary: BRCA1 c.3329delA (p.Lys1110SerfsX7) results in a premature termination codon, predicted to cause a truncation of the encoded protein or absence of the protein due to nonsense mediated decay, which are commonly known mechanisms for disease. The variant was absent in 250252 control chromosomes. c.3329delA has been observed in individuals affected with Hereditary Breast And Ovarian Cancer Syndrome (Stoppa-Lyonnet_1997). These data indicate that the variant is very likely to be associated with disease. To our knowledge, no experimental evidence demonstrating an impact on protein function has been reported. The following publication have been ascertained in the context of this evaluation (PMID: 9150149). ClinVar contains an entry for this variant (Variation ID: 54842). Based on the evidence outlined above, the variant was classified as pathogenic.

Ambry Genetics
Classification: Pathogenic for Hereditary cancer-predisposing syndrome. Last evaluated: 2023-10-23. Review status: criteria provided, single submitter. Criteria: Ambry Variant Classification Scheme 2023. Collection method: clinical testing. Allele origin: germline. Not counted in ClinVar's aggregate classification.
Comment: The c.3329delA pathogenic mutation, located in coding exon 9 of the BRCA1 gene, results from a deletion of one nucleotide at nucleotide position 3329, causing a translational frameshift with a predicted alternate stop codon (p.K1110Sfs*7). This alteration has been identified in multiple individuals with a personal and/or family history of breast and/or ovarian cancer (Shi T et al. Int J Cancer, 2017 May;140:2051-2059; Shao D et al. Cancer Sci, 2020 Feb;111:647-657; Wang N et al. Chin J Cancer Res, 2020 Apr;32:149-162). This alteration is also known as 3448delA in published literature. This variant is considered to be rare based on population cohorts in the Genome Aggregation Database (gnomAD). This alteration is expected to result in loss of function by premature protein truncation or nonsense-mediated mRNA decay. As such, this alteration is interpreted as a disease-causing mutation.

Labcorp Genetics (formerly Invitae), Labcorp
Classification: Pathogenic for Hereditary breast ovarian cancer syndrome. Last evaluated: 2023-06-29. Review status: criteria provided, single submitter. Criteria: Invitae Variant Classification Sherloc (09022015). Collection method: clinical testing. Allele origin: germline. Not counted in ClinVar's aggregate classification.
Comment: This sequence change creates a premature translational stop signal (p.Lys1110Serfs*7) in the BRCA1 gene. It is expected to result in an absent or disrupted protein product. Loss-of-function variants in BRCA1 are known to be pathogenic (PMID: 20104584). This variant is not present in population databases (gnomAD no frequency). This premature translational stop signal has been observed in individual(s) with breast and/or ovarian cancer (PMID: 9150149, 22798144, 24549055). ClinVar contains an entry for this variant (Variation ID: 54842). For these reasons, this variant has been classified as Pathogenic.

Color Diagnostics, LLC DBA Color Health
Classification: Pathogenic for Hereditary cancer-predisposing syndrome. Last evaluated: 2020-12-31. Review status: criteria provided, single submitter. Criteria: ACMG Guidelines, 2015. Collection method: clinical testing. Allele origin: germline. Not counted in ClinVar's aggregate classification.
Comment: This variant deletes 1 nucleotide in exon 10 of the BRCA1 gene, creating a frameshift and premature translation stop signal. This variant is expected to result in an absent or non-functional protein product. This variant has been observed in individuals and families affected with breast and ovarian cancer (PMID: 9150149, 22798144, 24549055; UMD database). This variant has not been identified in the general population by the Genome Aggregation Database (gnomAD). Loss of BRCA1 function is a known mechanism of disease. Based on the available evidence, this variant is classified as Pathogenic.

Consortium of Investigators of Modifiers of BRCA1/2 (CIMBA), c/o University of Cambridge
Classification: Pathogenic for Breast-ovarian cancer, familial, susceptibility to, 1. Last evaluated: 2015-10-02. Review status: criteria provided, single submitter. Criteria: CIMBA Mutation Classification guidelines May 2016. Collection method: clinical testing. Allele origin: germline. Not counted in ClinVar's aggregate classification.

BRCAlab, Lund University
Classification: Pathogenic for Breast-ovarian cancer, familial, susceptibility to, 1. Last evaluated: 2020-03-02. Review status: no assertion criteria provided. Collection method: clinical testing. Allele origin: germline. Affected: yes. Not counted in ClinVar's aggregate classification.

Literature cited by the submitters: PubMed 9150149 (cited by Women's Health and Genetics/Laboratory Corporation of America, LabCorp and Labcorp Genetics (formerly Invitae), Labcorp); PubMed 28176296 (cited by Ambry Genetics); PubMed 31742824 (cited by Ambry Genetics); PubMed 32410793 (cited by Ambry Genetics); PubMed 20104584 (cited by Labcorp Genetics (formerly Invitae), Labcorp); PubMed 22798144 (cited by Labcorp Genetics (formerly Invitae), Labcorp); PubMed 24549055 (cited by Labcorp Genetics (formerly Invitae), Labcorp).